The following is an entry in ClinVar:

ClinVar aggregate classification (germline): Uncertain significance. Review status: criteria provided, multiple submitters, no conflicts (2 of 4 stars). 5 submissions from 5 submitters: Uncertain significance (5). Last evaluated 2025-10-02.

Conditions:
APOB-related disorder. Also called: APOB-related condition; APOB-related disorders.
Cardiovascular phenotype. Identifiers: MedGen CN230736.
Hypercholesterolemia, autosomal dominant, type B (FHCL2). Also called: Familial Hypercholesterolemia Type B; APOLIPOPROTEIN B-100, FAMILIAL DEFECTIVE; APOLIPOPROTEIN B-100, FAMILIAL LIGAND-DEFECTIVE; HYPERCHOLESTEROLEMIA, FAMILIAL, DUE TO LIGAND-DEFECTIVE APOLIPOPROTEIN B; Hyperlipoproteinemia Type IIb; APOB-Related Familial Hypercholesterolemia, Autosomal Dominant. Identifiers: MedGen C1704417, MONDO:0007751, OMIM 144010.
Familial hypobetalipoproteinemia 1. Also called: APOB-Related Familial Hypobetalipoproteinemia; Hypobetalipoproteinemia, normotriglyceridemic; Acanthocytosis with hypobetalipoproteinemia. Identifiers: MedGen C4551990, MONDO:0014252, OMIM 615558.

Allele frequency attached by ClinVar (database versions not stated): gnomAD 0.00001.

Submissions (5):

Labcorp Genetics (formerly Invitae), Labcorp
Classification: Uncertain significance for Familial hypobetalipoproteinemia 1; Hypercholesterolemia, autosomal dominant, type B. Last evaluated: 2025-10-02. Review status: criteria provided, single submitter. Criteria: Invitae Variant Classification Sherloc (09022015). Collection method: clinical testing. Allele origin: germline.
Comment: This sequence change replaces serine, which is neutral and polar, with proline, which is neutral and non-polar, at codon 3424 of the APOB protein (p.Ser3424Pro). This variant is not present in population databases (gnomAD no frequency). This missense change has been observed in individuals with clinical features of autosomal dominant familial hypercholesterolemia (internal data). It has also been observed to segregate with disease in related individuals. ClinVar contains an entry for this variant (Variation ID: 1047390). Invitae Evidence Modeling of protein sequence and biophysical properties (such as structural, functional, and spatial information, amino acid conservation, physicochemical variation, residue mobility, and thermodynamic stability) has been performed for this missense variant. However, the output from this modeling did not meet the statistical confidence thresholds required to predict the impact of this variant on APOB protein function. In summary, the available evidence is currently insufficient to determine the role of this variant in disease. Therefore, it has been classified as a Variant of Uncertain Significance.

PreventionGenetics, part of Exact Sciences
Classification: Uncertain significance for APOB-related condition. Last evaluated: 2025-06-19. Review status: criteria provided, single submitter. Criteria: ACMG Guidelines, 2015. Collection method: clinical testing. Allele origin: germline.
Comment: The APOB c.10270T>C variant is predicted to result in the amino acid substitution p.Ser3424Pro. To our knowledge, this variant has not been reported in the literature or in a large population database (gnomAD), indicating this variant is rare. At this time, the clinical significance of this variant is uncertain due to the absence of conclusive functional and genetic evidence.

Ambry Genetics
Classification: Uncertain significance for Cardiovascular phenotype. Last evaluated: 2025-01-16. Review status: criteria provided, single submitter. Criteria: Ambry Variant Classification Scheme 2023. Collection method: clinical testing. Allele origin: germline.
Comment: The p.S3424P variant (also known as c.10270T>C), located in coding exon 26 of the APOB gene, results from a T to C substitution at nucleotide position 10270. The serine at codon 3424 is replaced by proline, an amino acid with similar properties. This amino acid position is conserved. In addition, this alteration is predicted to be deleterious by in silico analysis. Based on the available evidence, the clinical significance of this variant remains unclear.

New York Genome Center
Classification: Uncertain significance for Hypercholesterolemia, autosomal dominant, type B; Familial hypobetalipoproteinemia 1. Last evaluated: 2021-11-17. Review status: criteria provided, single submitter. Criteria: NYGC Assertion Criteria 2020. Collection method: clinical testing. Allele origin: germline. Observed: 1 variant allele.
Comment: The heterozygous c.10270T>C (p.Ser3424Pro) missense variant identified in the APOB gene has not been reported in affected individuals in the literature. The variant has 0.000006572 allele frequency in the gnomAD(v3) database (1 out of 152172 heterozygous alleles, no homozygotes) suggesting it is not a common benign variant in the populations represented in that database. This variant is reported as a Variant of Uncertain Significance in the ClinVar database (Variation ID: 1047390). The variant affects a moderately conserved residue (Ser3424) located in the β2 domain of APOB protein (PMID: 11518754) and is predicted deleterious by multiple in silico prediction tools (CADD score = 24.0, REVEL score = 0.714). Based on the available evidence, the heterozygous c.10270T>C(p.Ser3424Pro) missense variant identified in the APOB gene is reported as a Variant of Uncertain Significance.

Fulgent Genetics
Classification: Uncertain significance for Hypercholesterolemia, autosomal dominant, type B; Familial hypobetalipoproteinemia 1. Last evaluated: 2021-07-09. Review status: criteria provided, single submitter. Criteria: ACMG Guidelines, 2015. Collection method: clinical testing. Allele origin: unknown.

NM_000384.3(APOB):c.10270T>C (p.Ser3424Pro)

Gene: APOB (apolipoprotein B; minus strand). Cytogenetic location: 2p24.1.
Variant type: single nucleotide variant.
Coding change: c.10270T>C on transcript NM_000384.3 (MANE Select); coding-DNA position 10270, T replaced by C.
Protein change: p.Ser3424Pro; replaces serine 3424 with proline.
Molecular consequence: missense variant.
Genome position (GRCh38, 1-based): chr2:21,006,598, A>G on the plus strand (T>C on the coding strand, the complement: APOB is on the minus strand). VCF-style: chr2-21006598-A-G. GRCh37 (hg19) VCF-style: chr2-21229470-A-G.
Other names: short protein forms S3424P.
Identifiers: ClinVar variation 1047390 (VCV001047390.54), dbSNP rs1425159052, ClinGen allele CA345986896.
Genomic context (GRCh38, chr2:21,006,598, plus strand): 5'-GTTCTTGCTTGAAATTCATTCTCAAAATTGGAATTTGGGCTTTTGTGGTTGTTGCCACTG[A>G]CACTTCCATATTTTTCGTGGTTAAGCTCACAGTACTGTTATGACTACCCTCCACAAATTT-3'
Protein context (NP_000375.3, residues 3414-3434): VSLTTKNMEV[Ser3424Pro]VATTTKAQIP